The following is an entry in ClinVar:

ClinVar aggregate classification (germline): Uncertain significance. Review status: criteria provided, multiple submitters, no conflicts (2 of 4 stars). 3 submissions from 3 submitters: Uncertain significance (3). Last evaluated 2025-03-15.

Conditions:
Hypersulfaturia (HYSULF). Identifiers: MedGen C5830511, MONDO:0957268, OMIM 620372.
Nephrolithiasis susceptibility caused by SLC26A1 (CAON1). Also called: NEPHROLITHIASIS, CALCIUM OXALATE, 1. Identifiers: MedGen C5779632, MONDO:0020722, OMIM 167030.
Inborn genetic diseases. Identifiers: MedGen C0950123, MeSH D030342.

Allele frequency attached by ClinVar (database versions not stated): gnomAD 0.00002; gnomAD exomes 0.00003; TOPMed 0.00007; 1000 Genomes Project 30x 0.00016; ExAC 0.00016; 1000 Genomes Project 0.00020.
gnomAD v4.1: 44 of 1,576,632 alleles (0.0028%); highest among the groups gnomAD compares: Middle Eastern, 0.017%; no homozygotes.

Submissions (3):

Ambry Genetics
Classification: Uncertain significance for Inborn genetic diseases. Last evaluated: 2025-03-15. Review status: criteria provided, single submitter. Criteria: Ambry Variant Classification Scheme 2023. Collection method: clinical testing. Allele origin: germline.

Fulgent Genetics
Classification: Uncertain significance for Nephrolithiasis susceptibility caused by SLC26A1; Hypersulfaturia. Last evaluated: 2024-03-01. Review status: criteria provided, single submitter. Criteria: ACMG Guidelines, 2015. Collection method: clinical testing. Allele origin: germline.

Labcorp Genetics (formerly Invitae), Labcorp
Classification: Uncertain significance. Last evaluated: 2022-07-05. Review status: criteria provided, single submitter. Criteria: Invitae Variant Classification Sherloc (09022015). Collection method: clinical testing. Allele origin: germline.
Comment: This sequence change replaces alanine, which is neutral and non-polar, with valine, which is neutral and non-polar, at codon 360 of the SLC26A1 protein (p.Ala360Val). The frequency data for this variant in the population databases is considered unreliable, as metrics indicate poor data quality at this position in the gnomAD database. This variant has not been reported in the literature in individuals affected with SLC26A1-related conditions. Algorithms developed to predict the effect of missense changes on protein structure and function are either unavailable or do not agree on the potential impact of this missense change (SIFT: "Deleterious"; PolyPhen-2: "Possibly Damaging"; Align-GVGD: "Class C0"). In summary, the available evidence is currently insufficient to determine the role of this variant in disease. Therefore, it has been classified as a Variant of Uncertain Significance.

NM_022042.4(SLC26A1):c.1079C>T (p.Ala360Val)

Genes: IDUA (alpha-L-iduronidase; plus strand), SLC26A1 (solute carrier family 26 member 1; minus strand). Cytogenetic location: 4p16.3.
Variant type: single nucleotide variant.
Coding change: c.1079C>T on transcript NM_022042.4 (MANE Select); coding-DNA position 1079, C replaced by T.
Protein change: p.Ala360Val; replaces alanine 360 with valine.
Molecular consequence: missense variant. On other transcripts: intron variant (2).
Genome position (GRCh38, 1-based): chr4:989,860, G>A on the plus strand (C>T on the coding strand, the complement: SLC26A1 is on the minus strand). VCF-style: chr4-989860-G-A. GRCh37 (hg19) VCF-style: chr4-983648-G-A.
Other names: c.576+1268C>T (NM_134425.4); c.299+1911G>A (NM_000203.5); c.1079C>T, p.Ala360Val (NM_213613.4); c.1079C>T (NM_213613.2); short protein forms A360V.
Identifiers: ClinVar variation 1980069 (VCV001980069.6), dbSNP rs560906557, ClinGen allele CA2801471.
Genomic context (GRCh38, chr4:989,860, plus strand): 5'-ACAGCCAGCAGCTCCTGGTTGGCACGCACAGAGTAGCCGTGACTGCGGGCGAACATCTCC[G>A]CCAGCGAGATGGAGAAGGCGGCAGCCACGAGGGCCAGGGCCACGGCATCCAAAGCCACAC-3'
Protein context (NP_071325.2, residues 350-370): LVAAAFSISL[Ala360Val]EMFARSHGYS